The following is an entry in ClinVar:

NM_000384.3(APOB):c.5898C>A (p.His1966Gln)

Gene: APOB (apolipoprotein B; minus strand). Cytogenetic location: 2p24.1.
Variant type: single nucleotide variant.
Coding change: c.5898C>A on transcript NM_000384.3 (MANE Select); coding-DNA position 5898, C replaced by A.
Protein change: p.His1966Gln; replaces histidine 1966 with glutamine.
Molecular consequence: missense variant.
Genome position (GRCh38, 1-based): chr2:21,010,970, G>T on the plus strand (C>A on the coding strand, the complement: APOB is on the minus strand). VCF-style: chr2-21010970-G-T. GRCh37 (hg19) VCF-style: chr2-21233842-G-T.
Other names: short protein forms H1966Q.
Identifiers: ClinVar variation 2502248 (VCV002502248.2), dbSNP rs1663298600, ClinGen allele CA346003739.
Genomic context (GRCh38, chr2:21,010,970, plus strand): 5'-TTGGGTCTTGAGTTTCCAGGTGCCTGTCTGCTCAGCTGGAGTAAGCAGGGCACTGACTTT[G>T]TGTTCAAGAGCTGCACTGATGCTTTTCCTAGACACGAGATGATGACTTGTGGAGCCTTTG-3'
Protein context (NP_000375.3, residues 1956-1976): SRKSISAALE[His1966Gln]KVSALLTPAE

ClinVar aggregate classification (germline): Uncertain significance (1 of 4 stars; one submission).

Conditions:
Familial hypobetalipoproteinemia 1. Also called: APOB-Related Familial Hypobetalipoproteinemia; Hypobetalipoproteinemia, normotriglyceridemic; Acanthocytosis with hypobetalipoproteinemia. Identifiers: MedGen C4551990, MONDO:0014252, OMIM 615558.
Hypercholesterolemia, autosomal dominant, type B (FHCL2). Also called: APOLIPOPROTEIN B-100, FAMILIAL DEFECTIVE; APOLIPOPROTEIN B-100, FAMILIAL LIGAND-DEFECTIVE; HYPERCHOLESTEROLEMIA, FAMILIAL, DUE TO LIGAND-DEFECTIVE APOLIPOPROTEIN B; Familial Hypercholesterolemia Type B; APOB-Related Familial Hypercholesterolemia, Autosomal Dominant; Hyperlipoproteinemia Type IIb. Identifiers: MedGen C1704417, MONDO:0007751, OMIM 144010.

Submission:

New York Genome Center
Classification: Uncertain significance for Familial hypobetalipoproteinemia 1; Hypercholesterolemia, autosomal dominant, type B. Last evaluated: 2022-04-01. Review status: criteria provided, single submitter. Criteria: NYGC Assertion Criteria 2020. Collection method: clinical testing. Allele origin: germline. Observed: 1 heterozygote.
Comment: The c.5898C>A p.(His1966Gln) missense variant identified in the APOB gene has not previously been reported in the literature or public variant repositories (ClinVar and LOVD), and is absent from population databases (gnomAD v2.1.1 and v3.1.2, TOPMed Freeze 8) suggesting it is not a common benign variant in the populations represented in those databases. The c.5898C>A variant is located in exon 26 of this 29-exon gene, and predicted to replace a moderately conserved histidine amino acid with glutamine at position 1966. In silico predictions are inconclusive of deleterious effect (CADD v1.6= 24.2 REVEL=0.182); however, there are no functional studies to support or refute these predictions. Based on available evidence the c.5898C>A p.(His1966Gln) variant identified in APOB is classified as a Variant of Uncertain Significance.